The following is an entry in ClinVar:

ClinVar aggregate classification (germline): Uncertain significance (1 of 4 stars; one submission).

Submission:

Labcorp Genetics (formerly Invitae), Labcorp
Classification: Uncertain significance. Last evaluated: 2024-06-03. Review status: criteria provided, single submitter. Criteria: Invitae Variant Classification Sherloc (09022015). Collection method: clinical testing. Allele origin: germline.
Comment: This sequence change affects codon 236 of the FOXC2 mRNA. It is a 'silent' change, meaning that it does not change the encoded amino acid sequence of the FOXC2 protein. This variant is not present in population databases (gnomAD no frequency). This variant has not been reported in the literature in individuals affected with FOXC2-related conditions. In summary, the available evidence is currently insufficient to determine the role of this variant in disease. Therefore, it has been classified as a Variant of Uncertain Significance.

NM_005251.3(FOXC2):c.708G>T (p.Ala236=)

Gene: FOXC2 (forkhead box C2; plus strand). Cytogenetic location: 16q24.1.
Variant type: single nucleotide variant.
Coding change: c.708G>T on transcript NM_005251.3 (MANE Select); coding-DNA position 708, G replaced by T.
Protein change: p.Ala236=; no amino-acid change (alanine 236 retained).
Molecular consequence: synonymous variant.
Genome position (GRCh38, 1-based): chr16:86,568,043, G>T. VCF-style: chr16-86568043-G-T. GRCh37 (hg19) VCF-style: chr16-86601649-G-T.
Identifiers: ClinVar variation 3603429 (VCV003603429.2).